The following is an entry in ClinVar:

ClinVar aggregate classification (germline): Uncertain significance. Review status: criteria provided, multiple submitters, no conflicts (2 of 4 stars). 2 submissions from 2 submitters: Uncertain significance (2). Last evaluated 2024-12-23.

Conditions:
Retinitis pigmentosa 20 (RP20). Identifiers: Orphanet 791, MedGen C3151086, MONDO:0013425, OMIM 613794.
Leber congenital amaurosis 2 (LCA2). Also called: AMAUROSIS CONGENITA OF LEBER II; Autosomal Recessive RPE65-Related Retinal Degeneration. Identifiers: Orphanet 65, MedGen C1859844, MONDO:0008765, OMIM 204100. Disease mechanism: loss of function.

Submissions (2):

Labcorp Genetics (formerly Invitae), Labcorp
Classification: Uncertain significance for Leber congenital amaurosis 2; Retinitis pigmentosa 20. Last evaluated: 2024-12-23. Review status: criteria provided, single submitter. Criteria: Invitae Variant Classification Sherloc (09022015). Collection method: clinical testing. Allele origin: germline.
Comment: This sequence change replaces asparagine, which is neutral and polar, with aspartic acid, which is acidic and polar, at codon 316 of the RPE65 protein (p.Asn316Asp). This variant is not present in population databases (gnomAD no frequency). This variant has not been reported in the literature in individuals affected with RPE65-related conditions. ClinVar contains an entry for this variant (Variation ID: 1304550). Invitae Evidence Modeling of protein sequence and biophysical properties (such as structural, functional, and spatial information, amino acid conservation, physicochemical variation, residue mobility, and thermodynamic stability) indicates that this missense variant is expected to disrupt RPE65 protein function with a positive predictive value of 80%. In summary, the available evidence is currently insufficient to determine the role of this variant in disease. Therefore, it has been classified as a Variant of Uncertain Significance.

GeneDx
Classification: Uncertain significance. Last evaluated: 2019-07-22. Review status: criteria provided, single submitter. Criteria: GeneDx Variant Classification Process June 2021. Collection method: clinical testing. Allele origin: germline. Affected: yes.
Comment: Not observed in large population cohorts (Lek et al., 2016); In silico analysis, which includes protein predictors and evolutionary conservation, supports a deleterious effect; Has not been previously published as pathogenic or benign to our knowledge

NM_000329.3(RPE65):c.946A>G (p.Asn316Asp)

Gene: RPE65 (retinoid isomerohydrolase RPE65; minus strand). Cytogenetic location: 1p31.3.
Variant type: single nucleotide variant.
Coding change: c.946A>G on transcript NM_000329.3 (MANE Select); coding-DNA position 946, A replaced by G.
Protein change: p.Asn316Asp; replaces asparagine 316 with aspartic acid.
Molecular consequence: missense variant.
Genome position (GRCh38, 1-based): chr1:68,438,994, T>C on the plus strand (A>G on the coding strand, the complement: RPE65 is on the minus strand). VCF-style: chr1-68438994-T-C. GRCh37 (hg19) VCF-style: chr1-68904677-T-C.
Other names: short protein forms N316D.
Identifiers: ClinVar variation 1304550 (VCV001304550.5), dbSNP rs2100818454, ClinGen allele CA340744786.